The following is an entry in ClinVar:

ClinVar aggregate classification (germline): Uncertain significance (1 of 4 stars; one submission).

Conditions:
Ichthyosis linearis circumflexa. Identifiers: MedGen C0265962, MONDO:0043106, HP:0025810.

Submission:

Labcorp Genetics (formerly Invitae), Labcorp
Classification: Uncertain significance for Ichthyosis linearis circumflexa. Last evaluated: 2023-08-31. Review status: criteria provided, single submitter. Criteria: Invitae Variant Classification Sherloc (09022015). Collection method: clinical testing. Allele origin: germline.
Comment: In summary, the available evidence is currently insufficient to determine the role of this variant in disease. Therefore, it has been classified as a Variant of Uncertain Significance. Advanced modeling of protein sequence and biophysical properties (such as structural, functional, and spatial information, amino acid conservation, physicochemical variation, residue mobility, and thermodynamic stability) has been performed at Invitae for this missense variant, however the output from this modeling did not meet the statistical confidence thresholds required to predict the impact of this variant on SPINK5 protein function. ClinVar contains an entry for this variant (Variation ID: 1901367). This variant has not been reported in the literature in individuals affected with SPINK5-related conditions. This variant is not present in population databases (gnomAD no frequency). This sequence change replaces glutamic acid, which is acidic and polar, with glutamine, which is neutral and polar, at codon 549 of the SPINK5 protein (p.Glu549Gln).

NM_006846.4(SPINK5):c.1645G>C (p.Glu549Gln)

Gene: SPINK5 (serine peptidase inhibitor Kazal type 5; plus strand). Cytogenetic location: 5q32.
Variant type: single nucleotide variant.
Coding change: c.1645G>C on transcript NM_006846.4 (MANE Select); coding-DNA position 1645, G replaced by C.
Protein change: p.Glu549Gln; replaces glutamic acid 549 with glutamine.
Molecular consequence: missense variant.
Genome position (GRCh38, 1-based): chr5:148,108,790, G>C. VCF-style: chr5-148108790-G-C. GRCh37 (hg19) VCF-style: chr5-147488353-G-C.
Other names: c.1645G>C, p.Glu549Gln (NM_001127698.2, NM_001127699.2); short protein forms E549Q.
Identifiers: ClinVar variation 1901367 (VCV001901367.3), dbSNP rs1212257185, ClinGen allele CA361639536.